The following is an entry in ClinVar:

ClinVar aggregate classification (germline): Uncertain significance (0 of 4 stars; one submission).

Conditions:
PKD1-related disorder. Also called: PKD1-related condition.

gnomAD v4.1: 2 of 1,568,936 alleles (0.00013%); highest among the groups gnomAD compares: Admixed American, 0.0018%; no homozygotes.

Submission:

PreventionGenetics, part of Exact Sciences
Classification: Uncertain significance for PKD1-related condition. Last evaluated: 2024-04-28. Review status: no assertion criteria provided. Collection method: clinical testing. Allele origin: germline.
Comment: The PKD1 c.11944C>A variant is predicted to result in the amino acid substitution p.Gln3982Lys. To our knowledge, this variant has not been reported in the literature. This variant is reported in 0.0036% of alleles in individuals of Latino descent in gnomAD. At this time, the clinical significance of this variant is uncertain due to the absence of conclusive functional and genetic evidence.

NM_001009944.3(PKD1):c.11944C>A (p.Gln3982Lys)

Gene: PKD1 (polycystin 1, transient receptor potential channel interacting; minus strand). Cytogenetic location: 16p13.3.
Variant type: single nucleotide variant.
Coding change: c.11944C>A on transcript NM_001009944.3 (MANE Select); coding-DNA position 11944, C replaced by A.
Protein change: p.Gln3982Lys; replaces glutamine 3982 with lysine.
Molecular consequence: missense variant.
Genome position (GRCh38, 1-based): chr16:2,090,943, G>T on the plus strand (C>A on the coding strand, the complement: PKD1 is on the minus strand). VCF-style: chr16-2090943-G-T. GRCh37 (hg19) VCF-style: chr16-2140944-G-T.
Other names: c.11941C>A, p.Gln3981Lys (NM_000296.4); short protein forms Q3981K, Q3982K.
Identifiers: ClinVar variation 3344551 (VCV003344551.1).